The following is an entry in ClinVar:

NM_003108.4(SOX11):c.955A>T (p.Thr319Ser)

Gene: SOX11 (SRY-box transcription factor 11; plus strand). Cytogenetic location: 2p25.2.
Variant type: single nucleotide variant.
Coding change: c.955A>T on transcript NM_003108.4 (MANE Select); coding-DNA position 955, A replaced by T.
Protein change: p.Thr319Ser; replaces threonine 319 with serine.
Molecular consequence: missense variant.
Genome position (GRCh38, 1-based): chr2:5,693,676, A>T. VCF-style: chr2-5693676-A-T. GRCh37 (hg19) VCF-style: chr2-5833808-A-T.
Other names: short protein forms T319S.
Identifiers: ClinVar variation 3774824 (VCV003774824.1).
Genomic context (GRCh38, chr2:5,693,676, plus strand): 5'-GCCGGCGCGACCTCGGGCGCCGGGGGCGGCAGCCGCCTCTACTACAGCTTCAAGAACATC[A>T]CCAAGCAGCACCCGCCGCCGCTCGCGCAGCCCGCGCTGTCGCCCGCGTCCTCGCGCTCGG-3'
Protein context (NP_003099.1, residues 309-329): SRLYYSFKNI[Thr319Ser]KQHPPPLAQP

ClinVar aggregate classification (germline): Uncertain significance (1 of 4 stars; one submission).

Submission:

GeneDx
Classification: Uncertain significance. Last evaluated: 2024-09-29. Review status: criteria provided, single submitter. Criteria: GeneDx Variant Classification Process June 2021. Collection method: clinical testing. Allele origin: germline. Affected: yes.
Comment: Not observed at significant frequency in large population cohorts (gnomAD); In silico analysis indicates that this missense variant does not alter protein structure/function; Has not been previously published as pathogenic or benign to our knowledge